The following is an entry in ClinVar:

NM_007118.4(TRIO):c.2541C>G (p.His847Gln)

Gene: TRIO (trio Rho guanine nucleotide exchange factor; plus strand). Cytogenetic location: 5p15.2.
Variant type: single nucleotide variant.
Coding change: c.2541C>G on transcript NM_007118.4 (MANE Select); coding-DNA position 2541, C replaced by G.
Protein change: p.His847Gln; replaces histidine 847 with glutamine.
Molecular consequence: missense variant. On other transcripts: non-coding transcript variant (1).
Genome position (GRCh38, 1-based): chr5:14,363,881, C>G. VCF-style: chr5-14363881-C-G. GRCh37 (hg19) VCF-style: chr5-14363990-C-G.
Other names: short protein forms H847Q.
Identifiers: ClinVar variation 1699104 (VCV001699104.3), dbSNP rs1744368530, ClinGen allele CA359211016.

ClinVar aggregate classification (germline): Uncertain significance (1 of 4 stars; one submission).

Conditions:
Intellectual developmental disorder, autosomal dominant 44, with microcephaly. Also called: Micrognathia-recurrent infections-behavioral abnormalities-mild intellectual disability syndrome; TRIO-Related Intellectual Disability. Identifiers: Orphanet 476126, MedGen C4310740, MONDO:0014892, OMIM 617061.

Submission:

Victorian Clinical Genetics Services, Murdoch Childrens Research Institute
Classification: Uncertain significance for Intellectual developmental disorder, autosomal dominant 44, with microcephaly. Last evaluated: 2022-09-02. Review status: criteria provided, single submitter. Criteria: ACMG Guidelines, 2015. Collection method: clinical testing. Allele origin: germline. Inheritance: Autosomal dominant inheritance. Affected: yes.
Comment: A heterozygous missense variant was identified, NM_007118.3(TRIO):c.2541C>G in exon 14 of 57 of the TRIO gene. This substitution is predicted to create a minor amino acid change from a histidine to a glutamine at position 847 of the protein; NP_009049.2(TRIO):p.(His847Gln). The histidine at this position has high conservation (100 vertebrates, UCSC), and is located within the Spectrin repeat domain (NCBI). In silico software predictions of the pathogenicity of this variant are conflicting (Polyphen, SIFT, CADD, Mutation Taster). The variant is not present in the gnomAD population database. This variant has not previously been reported in clinical cases. Based on information available at the time of curation, this variant has been classified as a VUS.